The following is an entry in ClinVar:

ClinVar aggregate classification (germline): Uncertain significance (1 of 4 stars; one submission).

Conditions:
Hereditary cancer-predisposing syndrome. Also called: Neoplastic Syndromes, Hereditary; Tumor predisposition; Hereditary neoplastic syndrome; Hereditary Cancer Syndrome. Identifiers: Orphanet 140162, MedGen C0027672, MeSH D009386, MONDO:0015356.

gnomAD v4.1: 14 of 1,612,332 alleles (0.00087%); highest among the groups gnomAD compares: South Asian, 0.0011%; no homozygotes.

Submission:

Ambry Genetics
Classification: Uncertain significance for Hereditary cancer-predisposing syndrome. Last evaluated: 2026-07-06. Review status: criteria provided, single submitter. Criteria: Ambry Variant Classification Scheme 2023. Collection method: clinical testing. Allele origin: germline.
Comment: The p.Y128C variant (also known as c.383A>G), located in coding exon 5 of the SDHC gene, results from an A to G substitution at nucleotide position 383. The tyrosine at codon 128 is replaced by cysteine, an amino acid with highly dissimilar properties. This amino acid position is conserved. In addition, the in silico prediction for this alteration is inconclusive. Based on the available evidence, the clinical significance of this variant remains unclear.

NM_003001.5(SDHC):c.*37A>G

Gene: SDHC (succinate dehydrogenase complex subunit C; plus strand). Cytogenetic location: 1q23.3.
Variant type: single nucleotide variant.
Coding change: c.*37A>G on transcript NM_003001.5 (MANE Select); 37 bases downstream of the stop codon, A replaced by G.
Molecular consequence: 3 prime UTR variant. On other transcripts: missense variant (3), non-coding transcript variant (1).
Genome position (GRCh38, 1-based): chr1:161,362,470, A>G. VCF-style: chr1-161362470-A-G. GRCh37 (hg19) VCF-style: chr1-161332260-A-G.
Other names: c.383A>G, p.Tyr128Cys (NM_001035511.3); c.*37A>G (NM_001035512.3, NM_001035513.3, NM_001407115.1 and 5 more transcripts); c.281A>G, p.Tyr94Cys (NM_001278172.3); c.326A>G, p.Tyr109Cys (NM_001407121.1); short protein forms Y94C, Y109C, Y128C.
Identifiers: ClinVar variation 5029347 (VCV005029347.1).